The following is an entry in ClinVar:

NM_020631.6(PLEKHG5):c.1800+107C>T

Gene: PLEKHG5 (pleckstrin homology and RhoGEF domain containing G5; minus strand). Cytogenetic location: 1p36.31.
Variant type: single nucleotide variant.
Coding change: c.1800+107C>T on transcript NM_020631.6 (MANE Select); 107 bases into the intron after coding-DNA position 1800, C replaced by T.
Molecular consequence: intron variant.
Genome position (GRCh38, 1-based): chr1:6,470,129, G>A on the plus strand (C>T on the coding strand, the complement: PLEKHG5 is on the minus strand). VCF-style: chr1-6470129-G-A. GRCh37 (hg19) VCF-style: chr1-6530189-G-A.
Other names: c.1800+107C>T (NM_198681.4, NM_001265594.3, NM_001042664.2 and 1 more transcripts); c.1911+107C>T (NM_001042663.3, NM_001265592.2); c.2007+107C>T (NM_001265593.2).
Identifiers: ClinVar variation 667938 (VCV000667938.1), dbSNP rs3007421, ClinGen allele CA10798739.
Genomic context (GRCh38, chr1:6,470,129, plus strand): 5'-CTACTGCTGGATTTGTGAATGGCAGGCAGAGAACTGTCATTCACTATGACAAGGTCACTG[G>A]TTCTTGAGTAACCACCGAAGGGACTGCAGAGCTGAGAACCAGTGACTGGGGCCCAGGAGG-3'

ClinVar aggregate classification (germline): Benign (1 of 4 stars; one submission).

Allele frequency attached by ClinVar (database versions not stated): gnomAD exomes 0.12584; 1000 Genomes Project 0.16374; 1000 Genomes Project 30x 0.16849; gnomAD 0.17700 and 0.18161; TOPMed 0.18264.
gnomAD v4.1: 166,510 of 1,258,266 alleles (13%); highest among the groups gnomAD compares: African/African-American, 32%; 13,033 homozygotes.

Submission:

GeneDx
Classification: Benign. Last evaluated: 2018-06-14. Review status: criteria provided, single submitter. Criteria: GeneDx Variant Classification (06012015). Collection method: clinical testing. Allele origin: germline. Affected: yes.
Comment: This variant is considered likely benign or benign based on one or more of the following criteria: it is a conservative change, it occurs at a poorly conserved position in the protein, it is predicted to be benign by multiple in silico algorithms, and/or has population frequency not consistent with disease.